The following is an entry in ClinVar:

NM_001130965.3(SUN1):c.13C>T (p.Arg5Trp)

Genes: SUN1 (Sad1 and UNC84 domain containing 1; plus strand), LOC126859921 (P300/CBP strongly-dependent group 1 enhancer GRCh37_chr7:871666-872865; plus strand). Cytogenetic location: 7p22.3.
Variant type: single nucleotide variant.
Coding change: c.13C>T on transcript NM_001130965.3 (MANE Select); coding-DNA position 13, C replaced by T.
Protein change: p.Arg5Trp; replaces arginine 5 with tryptophan.
Molecular consequence: missense variant. On other transcripts: 5 prime UTR variant (1), non-coding transcript variant (3), intron variant (30).
Genome position (GRCh38, 1-based): chr7:832,537, C>T. VCF-style: chr7-832537-C-T. GRCh37 (hg19) VCF-style: chr7-872174-C-T.
Other names: c.13C>T, p.Arg5Trp (NM_001171944.2, NM_001171946.2, NM_001367633.1 and 35 more transcripts); c.76C>T, p.Arg26Trp (NM_001171945.2); c.-445C>T (NM_001367635.1); c.297-6261C>T (NM_001367651.1); c.-73-6261C>T (NM_001367666.1, NM_001367655.1, NM_001367691.1 and 24 more transcripts); c.-684-6261C>T (NM_001367658.1); c.-301-9409C>T (NM_001367639.1); short protein forms R5W, R26W.
Identifiers: ClinVar variation 568660 (VCV000568660.7), dbSNP rs149483651, ClinGen allele CA4111352.

ClinVar aggregate classification (germline): Uncertain significance (1 of 4 stars; one submission).

Conditions:
Emery-Dreifuss muscular dystrophy (EDMD). Also called: Scapuloperoneal syndrome, X-linked (formerly); Humeroperoneal neuromuscular disease, (formerly). Identifiers: Orphanet 261, MedGen C0410189, MONDO:0016830.

Allele frequency attached by ClinVar (database versions not stated): gnomAD exomes 0.00003; ExAC 0.00005; TOPMed 0.00016; ESP Exome Variant Server 0.00019; 1000 Genomes Project 0.00020; gnomAD 0.00020 and 0.00021; 1000 Genomes Project 30x 0.00031.

Submission:

Labcorp Genetics (formerly Invitae), Labcorp
Classification: Uncertain significance for Emery-Dreifuss muscular dystrophy. Last evaluated: 2024-05-19. Review status: criteria provided, single submitter. Criteria: Invitae Variant Classification Sherloc (09022015). Collection method: clinical testing. Allele origin: germline.
Comment: This sequence change replaces arginine, which is basic and polar, with tryptophan, which is neutral and slightly polar, at codon 5 of the SUN1 protein (p.Arg5Trp). This variant is present in population databases (rs149483651, gnomAD 0.04%). This variant has not been reported in the literature in individuals affected with SUN1-related conditions. ClinVar contains an entry for this variant (Variation ID: 568660). An algorithm developed to predict the effect of missense changes on protein structure and function (PolyPhen-2) suggests that this variant is likely to be disruptive. In summary, the available evidence is currently insufficient to determine the role of this variant in disease. Therefore, it has been classified as a Variant of Uncertain Significance.